The following is an entry in ClinVar:

ClinVar aggregate classification (germline): Uncertain significance (1 of 4 stars; one submission).

Submission:

GeneDx
Classification: Uncertain significance. Last evaluated: 2025-03-04. Review status: criteria provided, single submitter. Criteria: GeneDx Variant Classification Process June 2021. Collection method: clinical testing. Allele origin: germline. Affected: yes.
Comment: Not observed at significant frequency in large population cohorts (gnomAD); In silico analysis indicates that this missense variant does not alter protein structure/function; Has not been previously published as pathogenic or benign to our knowledge

NM_012463.4(ATP6V0A2):c.2158G>C (p.Glu720Gln)

Gene: ATP6V0A2 (ATPase H+ transporting V0 subunit a2; plus strand). Cytogenetic location: 12q24.31.
Variant type: single nucleotide variant.
Coding change: c.2158G>C on transcript NM_012463.4 (MANE Select); coding-DNA position 2158, G replaced by C.
Protein change: p.Glu720Gln; replaces glutamic acid 720 with glutamine.
Molecular consequence: missense variant.
Genome position (GRCh38, 1-based): chr12:123,752,385, G>C. VCF-style: chr12-123752385-G-C. GRCh37 (hg19) VCF-style: chr12-124236932-G-C.
Other names: short protein forms E720Q.
Identifiers: ClinVar variation 4082909 (VCV004082909.1).
Genomic context (GRCh38, chr12:123,752,385, plus strand): 5'-TCATTGCTGGGAAGCCAAGATATAGAAGAGGGAAATCACCAGGTGGAAGATGGATGTAGA[G>C]AAATGGCGTGTGAAGAGGTAAATCTTTTCAACTGCTATTGATAAACTTAGATAAGTAACC-3'
Protein context (NP_036595.2, residues 710-730): GNHQVEDGCR[Glu720Gln]MACEEFNFGE